The following is an entry in ClinVar:

ClinVar aggregate classification (germline): Uncertain significance (1 of 4 stars; one submission).

Conditions:
Capillary malformation-arteriovenous malformation syndrome. Also called: Capillary malformation-arteriovenous malformation. Identifiers: Orphanet 137667, MedGen C1842180, MONDO:0012016.

gnomAD v4.1: 4 of 1,614,056 alleles (0.00025%); highest among the groups gnomAD compares: Non-Finnish European, 0.00025%; no homozygotes.

Submission:

Labcorp Genetics (formerly Invitae), Labcorp
Classification: Uncertain significance for Capillary malformation-arteriovenous malformation syndrome. Last evaluated: 2025-09-08. Review status: criteria provided, single submitter. Criteria: Invitae Variant Classification Sherloc (09022015). Collection method: clinical testing. Allele origin: germline.
Comment: This sequence change replaces alanine, which is neutral and non-polar, with glutamic acid, which is acidic and polar, at codon 148 of the RASA1 protein (p.Ala148Glu). This variant is not present in population databases (gnomAD no frequency). This variant has not been reported in the literature in individuals affected with RASA1-related conditions. An algorithm developed to predict the effect of missense changes on protein structure and function (PolyPhen-2) suggests that this variant is likely to be disruptive. In summary, the available evidence is currently insufficient to determine the role of this variant in disease. Therefore, it has been classified as a Variant of Uncertain Significance.

NM_002890.3(RASA1):c.443C>A (p.Ala148Glu)

Gene: RASA1 (RAS p21 protein activator 1; plus strand). Cytogenetic location: 5q14.3.
Variant type: single nucleotide variant.
Coding change: c.443C>A on transcript NM_002890.3 (MANE Select); coding-DNA position 443, C replaced by A.
Protein change: p.Ala148Glu; replaces alanine 148 with glutamic acid.
Molecular consequence: missense variant.
Genome position (GRCh38, 1-based): chr5:87,268,894, C>A. VCF-style: chr5-87268894-C-A. GRCh37 (hg19) VCF-style: chr5-86564711-C-A.
Other names: short protein forms A148E.
Identifiers: ClinVar variation 4698580 (VCV004698580.1).